The following is an entry in ClinVar:

NC_000023.10:g.(?_49845231)_(49851547_?)del

Gene: CLCN5 (chloride voltage-gated channel 5; plus strand). Cytogenetic location: Xp11.22.
Variant type: Deletion.
Identifiers: ClinVar variation 1072816 (VCV001072816.7).

ClinVar aggregate classification (germline): Pathogenic (1 of 4 stars; one submission).

Submission:

Labcorp Genetics (formerly Invitae), Labcorp
Classification: Pathogenic. Last evaluated: 2023-12-19. Review status: criteria provided, single submitter. Criteria: Invitae Variant Classification Sherloc (09022015). Collection method: clinical testing. Allele origin: germline.
Comment: This variant is a gross deletion of the genomic region encompassing exon(s) 5-8 of the CLCN5 gene. This variant would be expected to be in-frame, preserving the integrity of the reading frame. A similar copy number variant has been observed in individuals with Dent disease complex (PMID: 9596078; Invitae). This variant disrupts the p.Ser244 amino acid residue in CLCN5. Other variant(s) that disrupt this residue have been determined to be pathogenic (PMID: 19546591, 24081861, 27117801, 28580211, 31672324). This suggests that this residue is clinically significant, and that variants that disrupt this residue are likely to be disease-causing. For these reasons, this variant has been classified as Pathogenic.

Literature cited by the submitters: PubMed 9596078; PubMed 19546591; PubMed 24081861; PubMed 27117801; PubMed 28580211; PubMed 31672324.